The following is an entry in ClinVar:

NM_001244008.2(KIF1A):c.2294A>G (p.Asp765Gly)

Gene: KIF1A (kinesin family member 1A; minus strand). Cytogenetic location: 2q37.3.
Variant type: single nucleotide variant.
Coding change: c.2294A>G on transcript NM_001244008.2 (MANE Select); coding-DNA position 2294, A replaced by G.
Protein change: p.Asp765Gly; replaces aspartic acid 765 with glycine.
Molecular consequence: missense variant.
Genome position (GRCh38, 1-based): chr2:240,760,815, T>C on the plus strand (A>G on the coding strand, the complement: KIF1A is on the minus strand). VCF-style: chr2-240760815-T-C. GRCh37 (hg19) VCF-style: chr2-241700232-T-C.
Other names: c.2294A>G, p.Asp765Gly (NM_001320705.2, NM_001330289.2, NM_001379638.1); c.2369A>G, p.Asp790Gly (NM_001330290.2, NM_001379631.1, NM_001379634.1 and 2 more transcripts); c.2267A>G, p.Asp756Gly (NM_001379632.1, NM_001379633.1, NM_001379636.1 and 10 more transcripts); c.2342A>G, p.Asp781Gly (NM_001379637.1, NM_001379648.1); short protein forms D765G, D781G, D756G, D790G.
Identifiers: ClinVar variation 1524015 (VCV001524015.6), dbSNP rs2125890668, ClinGen allele CA351325102.

ClinVar aggregate classification (germline): Uncertain significance (1 of 4 stars; one submission).

Conditions:
Hereditary spastic paraplegia 30. Identifiers: Orphanet 101010, MedGen C5235139, MONDO:0012476.
Neuropathy, hereditary sensory, type 2C. Also called: Hereditary sensory and autonomic neuropathy type IIC; KIF1A-Related HSAN2 (HSAN2C). Identifiers: Orphanet 970, MedGen C3280168, MONDO:0013634, OMIM 614213.
Intellectual disability, autosomal dominant 9 (NESCAVS). Also called: NESCAV SYNDROME; KIF1A-Related Neurodevelopmental Disorder. Identifiers: Orphanet 662367, MedGen C5393830, MONDO:0013656, OMIM 614255.

Allele frequency attached by ClinVar (database versions not stated): gnomAD exomes below 0.00001.
gnomAD v4.1: 4 of 1,608,116 alleles (0.00025%); highest among the groups gnomAD compares: Non-Finnish European, 0.00034%; no homozygotes.

Submission:

Labcorp Genetics (formerly Invitae), Labcorp
Classification: Uncertain significance for Hereditary spastic paraplegia 30; Neuropathy, hereditary sensory, type 2C; Intellectual disability, autosomal dominant 9. Last evaluated: 2021-08-23. Review status: criteria provided, single submitter. Criteria: Invitae Variant Classification Sherloc (09022015). Collection method: clinical testing. Allele origin: germline.
Comment: In summary, the available evidence is currently insufficient to determine the role of this variant in disease. Therefore, it has been classified as a Variant of Uncertain Significance. Algorithms developed to predict the effect of missense changes on protein structure and function are either unavailable or do not agree on the potential impact of this missense change (SIFT: "Deleterious"; PolyPhen-2: "Possibly Damaging"; Align-GVGD: "Class C0"). This variant has not been reported in the literature in individuals affected with KIF1A-related conditions. This variant is not present in population databases (ExAC no frequency). This sequence change replaces aspartic acid with glycine at codon 756 of the KIF1A protein (p.Asp756Gly). The aspartic acid residue is highly conserved and there is a moderate physicochemical difference between aspartic acid and glycine.